The following is an entry in ClinVar:

NM_001018005.2(TPM1):c.564-12C>T

Gene: TPM1 (tropomyosin 1; plus strand). Cytogenetic location: 15q22.2.
Variant type: single nucleotide variant.
Coding change: c.564-12C>T on transcript NM_001018005.2 (MANE Select); 12 bases into the intron before coding-DNA position 564, C replaced by T.
Molecular consequence: intron variant.
Genome position (GRCh38, 1-based): chr15:63,061,701, C>T. VCF-style: chr15-63061701-C-T. GRCh37 (hg19) VCF-style: chr15-63353900-C-T.
Other names: c.690-12C>T (NM_001365778.1); c.639+428C>T (NM_001018020.2, NM_001018006.2, NM_000366.6); c.564-12C>T (NM_001018007.2, NM_001365776.1, NM_001018004.2 and 3 more transcripts); c.531+428C>T (NM_001330351.2, NM_001330344.2, NM_001365781.2); c.456-12C>T (NM_001018008.2, NM_001301289.2, NM_001365782.1 and 2 more transcripts).
Identifiers: ClinVar variation 516763 (VCV000516763.22), dbSNP rs113591254, ClinGen allele CA030697.
Genomic context (GRCh38, chr15:63,061,701, plus strand): 5'-TCCCTCTCCTTTTTCTCTCCTCCTTCCTTTGGCTTGTCTCCCACCCTTTCTGCCTCTGAT[C>T]GAAAACATTAGCAAATGTGCCGAGCTTGAAGAAGAATTGAAAACTGTGACGAACAACTTG-3'

ClinVar aggregate classification (germline): Likely benign. Review status: criteria provided, multiple submitters, no conflicts (2 of 4 stars). 4 submissions from 4 submitters: Likely benign (4). Last evaluated 2025-08-26.

Conditions:
Cardiomyopathy (CMYO). Also called: Cardiomyopathies. Identifiers: Orphanet 167848, MedGen C0878544, MONDO:0004994, HP:0001638. Inheritance: Various modes of inheritance.
Hypertrophic cardiomyopathy. Also called: HYPERTROPHIC MYOCARDIOPATHY. Identifiers: Orphanet 217569, MedGen C0007194, MeSH D002312, MONDO:0005045, HP:0001639.

Allele frequency attached by ClinVar (database versions not stated): gnomAD 0.00003; TOPMed 0.00007; ESP Exome Variant Server 0.00008.
gnomAD v4.1: 42 of 1,613,738 alleles (0.0026%); highest among the groups gnomAD compares: Middle Eastern, 0.033%; no homozygotes.

Submissions (4):

Labcorp Genetics (formerly Invitae), Labcorp
Classification: Likely benign for Hypertrophic cardiomyopathy. Last evaluated: 2025-08-26. Review status: criteria provided, single submitter. Criteria: Invitae Variant Classification Sherloc (09022015). Collection method: clinical testing. Allele origin: germline.

Color Diagnostics, LLC DBA Color Health
Classification: Likely benign for Cardiomyopathy. Last evaluated: 2023-05-11. Review status: criteria provided, single submitter. Criteria: ACMG Guidelines, 2015. Collection method: clinical testing. Allele origin: germline.

ARUP Laboratories, Molecular Genetics and Genomics, ARUP Laboratories
Classification: Likely benign. Last evaluated: 2020-01-31. Review status: criteria provided, single submitter. Criteria: ARUP Molecular Germline Variant Investigation Process. Collection method: clinical testing. Allele origin: germline.

GeneDx
Classification: Likely benign. Last evaluated: 2018-02-09. Review status: criteria provided, single submitter. Criteria: GeneDx Variant Classification (06012015). Collection method: clinical testing. Allele origin: germline. Affected: yes.
Comment: This variant is considered likely benign or benign based on one or more of the following criteria: it is a conservative change, it occurs at a poorly conserved position in the protein, it is predicted to be benign by multiple in silico algorithms, and/or has population frequency not consistent with disease.